The following is an entry in ClinVar:

ClinVar aggregate classification (germline): Uncertain significance (1 of 4 stars; one submission).

gnomAD v4.1: 1 of 1,614,130 alleles (0.000062%); highest among the groups gnomAD compares: Middle Eastern, 0.016%; no homozygotes.

Submission:

Labcorp Genetics (formerly Invitae), Labcorp
Classification: Uncertain significance. Last evaluated: 2025-03-30. Review status: criteria provided, single submitter. Criteria: Invitae Variant Classification Sherloc (09022015). Collection method: clinical testing. Allele origin: germline.
Comment: This sequence change replaces valine, which is neutral and non-polar, with isoleucine, which is neutral and non-polar, at codon 419 of the GATAD2B protein (p.Val419Ile). This variant is not present in population databases (gnomAD no frequency). This variant has not been reported in the literature in individuals affected with GATAD2B-related conditions. Invitae Evidence Modeling of protein sequence and biophysical properties (such as structural, functional, and spatial information, amino acid conservation, physicochemical variation, residue mobility, and thermodynamic stability) indicates that this missense variant is not expected to disrupt GATAD2B protein function with a negative predictive value of 80%. In summary, the available evidence is currently insufficient to determine the role of this variant in disease. Therefore, it has been classified as a Variant of Uncertain Significance.

NM_020699.4(GATAD2B):c.1255G>A (p.Val419Ile)

Gene: GATAD2B (GATA zinc finger domain containing 2B; minus strand). Cytogenetic location: 1q21.3.
Variant type: single nucleotide variant.
Coding change: c.1255G>A on transcript NM_020699.4 (MANE Select); coding-DNA position 1255, G replaced by A.
Protein change: p.Val419Ile; replaces valine 419 with isoleucine.
Molecular consequence: missense variant.
Genome position (GRCh38, 1-based): chr1:153,813,414, C>T on the plus strand (G>A on the coding strand, the complement: GATAD2B is on the minus strand). VCF-style: chr1-153813414-C-T. GRCh37 (hg19) VCF-style: chr1-153785890-C-T.
Other names: short protein forms V419I.
Identifiers: ClinVar variation 4810429 (VCV004810429.1).
Genomic context (GRCh38, chr1:153,813,414, plus strand): 5'-TCTTACCATTCTTTTCTTGCTTCCAGTGAGGGGTGAAATCTGTGCGGCACTGGGCACATA[C>T]AAAGGGTTCAACCCGCAGAAGTGAGGCACAGCTTTTGCCTAGATACCAACAAAAATAGTC-3'
Protein context (NP_065750.1, residues 409-429): CASLLRVEPF[Val419Ile]CAQCRTDFTP